The following is an entry in ClinVar:

NM_005529.7(HSPG2):c.12929A>C (p.Asp4310Ala)

Genes: HSPG2 (heparan sulfate proteoglycan 2; minus strand), LDLRAD2 (low density lipoprotein receptor class A domain containing 2; plus strand). Cytogenetic location: 1p36.12.
Variant type: single nucleotide variant.
Coding change: c.12929A>C on transcript NM_005529.7 (MANE Select); coding-DNA position 12929, A replaced by C.
Protein change: p.Asp4310Ala; replaces aspartic acid 4310 with alanine.
Molecular consequence: missense variant. On other transcripts: 3 prime UTR variant (1).
Genome position (GRCh38, 1-based): chr1:21,823,690, T>G on the plus strand (A>C on the coding strand, the complement: HSPG2 is on the minus strand). VCF-style: chr1-21823690-T-G. GRCh37 (hg19) VCF-style: chr1-22150183-T-G.
Other names: c.12932A>C, p.Asp4311Ala (NM_001291860.2); c.*1475T>G (NM_001013693.3); short protein forms D4310A, D4311A.
Identifiers: ClinVar variation 804894 (VCV000804894.10), dbSNP rs144864169, ClinGen allele CA669209.

ClinVar aggregate classification (germline): Uncertain significance. Review status: criteria provided, multiple submitters, no conflicts (2 of 4 stars). 5 submissions from 5 submitters: Uncertain significance (5). Last evaluated 2025-12-19.

Conditions:
Inborn genetic diseases. Identifiers: MedGen C0950123, MeSH D030342.

Allele frequency attached by ClinVar (database versions not stated): ExAC 0.00007; gnomAD 0.00026 and 0.00025; ESP Exome Variant Server 0.00038; 1000 Genomes Project 30x 0.00062; gnomAD exomes 0.00002 and 0.00005; TOPMed 0.00026; 1000 Genomes Project 0.00040.
gnomAD v4.1: 69 of 1,613,668 alleles (0.0043%); highest among the groups gnomAD compares: African/African-American, 0.085%; no homozygotes.

Submissions (5):

GeneDx
Classification: Uncertain significance. Last evaluated: 2025-12-19. Review status: criteria provided, single submitter. Criteria: GeneDx Variant Classification Process June 2021. Collection method: clinical testing. Allele origin: germline.
Comment: In silico analysis supports that this missense variant has a deleterious effect on protein structure/function; Has not been previously published as pathogenic or benign to our knowledge

Labcorp Genetics (formerly Invitae), Labcorp
Classification: Uncertain significance. Last evaluated: 2022-07-18. Review status: criteria provided, single submitter. Criteria: Invitae Variant Classification Sherloc (09022015). Collection method: clinical testing. Allele origin: germline.
Comment: This sequence change replaces aspartic acid, which is acidic and polar, with alanine, which is neutral and non-polar, at codon 4310 of the HSPG2 protein (p.Asp4310Ala). This variant is present in population databases (rs144864169, gnomAD 0.1%). This variant has not been reported in the literature in individuals affected with HSPG2-related conditions. ClinVar contains an entry for this variant (Variation ID: 804894). Algorithms developed to predict the effect of missense changes on protein structure and function are either unavailable or do not agree on the potential impact of this missense change (SIFT: "Deleterious"; PolyPhen-2: "Probably Damaging"; Align-GVGD: "Class C0"). In summary, the available evidence is currently insufficient to determine the role of this variant in disease. Therefore, it has been classified as a Variant of Uncertain Significance.

Ambry Genetics
Classification: Uncertain significance for Inborn genetic diseases. Last evaluated: 2021-07-26. Review status: criteria provided, single submitter. Criteria: Ambry Variant Classification Scheme 2023. Collection method: clinical testing. Allele origin: germline.

Revvity Omics, Revvity
Classification: Uncertain significance. Last evaluated: 2019-04-05. Review status: criteria provided, single submitter. Criteria: ACMG Guidelines, 2015. Collection method: clinical testing. Allele origin: germline.

Athena Diagnostics
Classification: Uncertain significance. Last evaluated: 2018-12-28. Review status: criteria provided, single submitter. Criteria: Athena Diagnostics Criteria. Collection method: clinical testing. Allele origin: germline.